The following is an entry in ClinVar:

NM_004360.5(CDH1):c.693C>G (p.Phe231Leu)

Gene: CDH1 (cadherin 1; plus strand). Cytogenetic location: 16q22.1.
Variant type: single nucleotide variant.
Coding change: c.693C>G on transcript NM_004360.5 (MANE Select); coding-DNA position 693, C replaced by G.
Protein change: p.Phe231Leu; replaces phenylalanine 231 with leucine.
Molecular consequence: missense variant. On other transcripts: 5 prime UTR variant (2).
Genome position (GRCh38, 1-based): chr16:68,810,202, C>G. VCF-style: chr16-68810202-C-G. GRCh37 (hg19) VCF-style: chr16-68844105-C-G.
Other names: c.693C>G, p.Phe231Leu (NM_001317184.2); c.-923C>G (NM_001317185.2); c.-1127C>G (NM_001317186.2); short protein forms F231L.
Identifiers: ClinVar variation 2567603 (VCV002567603.3), dbSNP rs2152130994, ClinGen allele CA396458375.

ClinVar aggregate classification (germline): Uncertain significance (1 of 4 stars; one submission).

Conditions:
Hereditary cancer-predisposing syndrome. Also called: Neoplastic Syndromes, Hereditary; Tumor predisposition; Hereditary Cancer Syndrome; Hereditary neoplastic syndrome. Identifiers: Orphanet 140162, MedGen C0027672, MeSH D009386, MONDO:0015356.

Allele frequency attached by ClinVar (database versions not stated): gnomAD exomes below 0.00001.
gnomAD v4.1: 1 of 1,614,162 alleles (0.000062%); highest among the groups gnomAD compares: Non-Finnish European, 0.000085%; no homozygotes.

Submission:

Ambry Genetics
Classification: Uncertain significance for Hereditary cancer-predisposing syndrome. Last evaluated: 2026-05-18. Review status: criteria provided, single submitter. Criteria: Ambry Variant Classification Scheme 2023. Collection method: clinical testing. Allele origin: germline.
Comment: The p.F231L variant (also known as c.693C>G), located in coding exon 6 of the CDH1 gene, results from a C to G substitution at nucleotide position 693. The phenylalanine at codon 231 is replaced by leucine, an amino acid with highly similar properties. This amino acid position is conserved. In addition, this alteration is predicted to be tolerated by in silico analysis. Based on the available evidence, the clinical significance of this variant remains unclear.